The following is an entry in ClinVar:

ClinVar aggregate classification (germline): Likely benign. Review status: criteria provided, single submitter (1 of 4 stars). 2 submissions from 2 submitters: Likely benign (1). 1 of the submissions does not count toward it. Last evaluated 2024-03-02.

Conditions:
PYGM-related disorder. Also called: PYGM-related condition.
Glycogen storage disease, type V (GSD5). Also called: McArdle type glycogen storage disease; MCARDLE DISEASE; MUSCLE GLYCOGEN PHOSPHORYLASE DEFICIENCY; MYOPHOSPHORYLASE DEFICIENCY; PYGM DEFICIENCY. Identifiers: Orphanet 368, MedGen C0017924, MONDO:0009293, OMIM 232600.

Allele frequency attached by ClinVar (database versions not stated): gnomAD exomes 0.00001 and 0.00003; ExAC 0.00003.
gnomAD v4.1: 18 of 1,614,194 alleles (0.0011%); highest among the groups gnomAD compares: Non-Finnish European, 0.0014%; no homozygotes.

Submissions (2):

Labcorp Genetics (formerly Invitae), Labcorp
Classification: Likely benign for Glycogen storage disease, type V. Last evaluated: 2024-03-02. Review status: criteria provided, single submitter. Criteria: Invitae Variant Classification Sherloc (09022015). Collection method: clinical testing. Allele origin: germline.

PreventionGenetics, part of Exact Sciences
Classification: Likely benign for PYGM-related condition. Last evaluated: 2024-06-27. Review status: no assertion criteria provided. Collection method: clinical testing. Allele origin: germline. Not counted in ClinVar's aggregate classification.
Comment: This variant is classified as likely benign based on ACMG/AMP sequence variant interpretation guidelines (Richards et al. 2015 PMID: 25741868, with internal and published modifications).

NM_005609.4(PYGM):c.2367C>T (p.Ser789=)

Gene: PYGM (glycogen phosphorylase, muscle associated; minus strand). Cytogenetic location: 11q13.1.
Variant type: single nucleotide variant.
Coding change: c.2367C>T on transcript NM_005609.4 (MANE Select); coding-DNA position 2367, C replaced by T.
Protein change: p.Ser789=; no amino-acid change (serine 789 retained).
Molecular consequence: synonymous variant.
Genome position (GRCh38, 1-based): chr11:64,746,933, G>A on the plus strand (C>T on the coding strand, the complement: PYGM is on the minus strand). VCF-style: chr11-64746933-G-A. GRCh37 (hg19) VCF-style: chr11-64514405-G-A.
Other names: c.2103C>T, p.Ser701= (NM_001164716.1); c.2367C>T (NM_005609.3).
Identifiers: ClinVar variation 1154654 (VCV001154654.8), dbSNP rs750356895, ClinGen allele CA6079545.